The following is an entry in ClinVar:

ClinVar aggregate classification (germline): Uncertain significance (1 of 4 stars; one submission).

Conditions:
CEP290-related disorder. Also called: CEP290-related disorders; CEP290-related condition. Identifiers: MedGen CN239314.

Submission:

PreventionGenetics, part of Exact Sciences
Classification: Uncertain significance for CEP290-related condition. Last evaluated: 2026-05-18. Review status: criteria provided, single submitter. Criteria: ACMG Guidelines, 2015. Collection method: clinical testing. Allele origin: germline.
Comment: The CEP290 c.4127A>G variant is predicted to result in the amino acid substitution p.Asn1376Ser. To our knowledge, this variant has not been reported in the literature or in a large population database (gnomAD), indicating this variant is rare. At this time, the clinical significance of this variant is uncertain due to the absence of conclusive functional and genetic evidence.

NM_025114.4(CEP290):c.4127A>G (p.Asn1376Ser)

Gene: CEP290 (centrosomal protein 290; minus strand). Cytogenetic location: 12q21.32.
Variant type: single nucleotide variant.
Coding change: c.4127A>G on transcript NM_025114.4 (MANE Select); coding-DNA position 4127, A replaced by G.
Protein change: p.Asn1376Ser; replaces asparagine 1376 with serine.
Molecular consequence: missense variant.
Genome position (GRCh38, 1-based): chr12:88,087,847, T>C on the plus strand (A>G on the coding strand, the complement: CEP290 is on the minus strand). VCF-style: chr12-88087847-T-C. GRCh37 (hg19) VCF-style: chr12-88481624-T-C.
Other names: short protein forms N1376S.
Identifiers: ClinVar variation 4987109 (VCV004987109.1).